The following is an entry in ClinVar:

NM_032043.3(BRIP1):c.734_740dup (p.Tyr247Ter)

Gene: BRIP1 (BRCA1 interacting DNA helicase 1; minus strand). Cytogenetic location: 17q23.2.
Variant type: Duplication.
Coding change: c.734_740dup on transcript NM_032043.3 (MANE Select); coding-DNA positions 734 to 740, 7 bases duplicated (AAATATA; older notation c.734_740dupAAATATA).
Protein change: p.Tyr247Ter; replaces tyrosine 247 with a stop codon.
Molecular consequence: nonsense.
Genome position (GRCh38, 1-based): chr17:61,808,645-61,808,651, TATATTT duplicated on the plus strand (AAATATA on the coding strand, the reverse complement: BRIP1 is on the minus strand); duplicating any 7 consecutive bases within chr17:61,808,645-61,808,652 gives the same sequence; the c. name uses the placement nearest the transcript's 3' end. VCF-style (leftmost placement, unchanged base first): chr17-61808644-A-ATATATTT. GRCh37 (hg19) VCF-style: chr17-59886005-A-ATATATTT.
Other names: c.734_740dup (NM_032043.2); short protein forms Y247*.
Identifiers: ClinVar variation 826977 (VCV000826977.16), dbSNP rs1603346857, ClinGen allele CA915950718.
Genomic context (GRCh38, chr17:61,808,644, plus strand): 5'-TGCCGTCCTCCGGAGCTCTCTAGTAATCTGAGCAATCTGCTTGTGTGTGCGTGTCCCAAA[A>ATATATTT]TATATTTTGGGTATCTTGGATTTCCCTGTATGATCCTTCTTAATGGTATTCGATGACTCT-3'

ClinVar aggregate classification (germline): Pathogenic/Likely pathogenic. Review status: criteria provided, multiple submitters, no conflicts (2 of 4 stars). 5 submissions from 5 submitters: Pathogenic (3); Likely pathogenic (2). Last evaluated 2025-03-07.

Conditions:
Hereditary cancer-predisposing syndrome. Also called: Neoplastic Syndromes, Hereditary; Hereditary Cancer Syndrome; Hereditary neoplastic syndrome; Tumor predisposition. Identifiers: Orphanet 140162, MedGen C0027672, MeSH D009386, MONDO:0015356.
Fanconi anemia complementation group J. Also called: BRIP1-Related Fanconi Anemia. Identifiers: Orphanet 84, MedGen C1836860, MONDO:0012187, OMIM 609054.
Familial cancer of breast. Also called: hereditary breast carcinoma; BREAST CANCER, FAMILIAL; Hereditary breast cancer. Identifiers: Orphanet 227535, MedGen C0346153, MONDO:0016419, OMIM 114480. Disease mechanism: loss of function.

Submissions (5):

Quest Diagnostics Nichols Institute San Juan Capistrano
Classification: Likely pathogenic. Last evaluated: 2025-03-07. Review status: criteria provided, single submitter. Criteria: Quest Diagnostics criteria. Collection method: clinical testing. Allele origin: unknown.
Comment: The BRIP1 c.734_740dup (p.Tyr247*) variant alters the translational reading frame of the BRIP1 mRNA and is predicted to cause the premature termination of BRIP1 protein synthesis. This variant has not been reported in individuals with BRIP1-related conditions in the published literature. This variant has not been reported in large, multi-ethnic general populations (Genome Aggregation Database). Based on the available information, this variant is classified as likely pathogenic.

Baylor Genetics
Classification: Likely pathogenic for Familial cancer of breast. Last evaluated: 2024-01-04. Review status: criteria provided, single submitter. Criteria: ACMG Guidelines, 2015. Collection method: clinical testing. Allele origin: unknown.

Ambry Genetics
Classification: Pathogenic for Hereditary cancer-predisposing syndrome. Last evaluated: 2023-08-23. Review status: criteria provided, single submitter. Criteria: Ambry Variant Classification Scheme 2023. Collection method: clinical testing. Allele origin: germline.
Comment: The c.734_740dupAAATATA pathogenic mutation, located in coding exon 6 of the BRIP1 gene, results from a duplication of AAATATA at nucleotide position 734 to 740, causing a translational frameshift with a predicted alternate stop codon (p.Y247*). This alteration is expected to result in loss of function by premature protein truncation or nonsense-mediated mRNA decay. As such, this alteration is interpreted as a disease-causing mutation.

Myriad Genetics, Inc.
Classification: Pathogenic for Familial cancer of breast. Last evaluated: 2023-05-31. Review status: criteria provided, single submitter. Criteria: Myriad Autosomal Dominant, Autosomal Recessive and X-Linked Classification Criteria (2023). Collection method: clinical testing. Allele origin: unknown.
Comment: This variant is considered pathogenic. This variant creates a termination codon and is predicted to result in premature protein truncation.

Labcorp Genetics (formerly Invitae), Labcorp
Classification: Pathogenic for Familial cancer of breast; Fanconi anemia complementation group J. Last evaluated: 2019-03-13. Review status: criteria provided, single submitter. Criteria: Invitae Variant Classification Sherloc (09022015). Collection method: clinical testing. Allele origin: germline.
Comment: For these reasons, this variant has been classified as Pathogenic. Loss-of-function variants in BRIP1 are known to be pathogenic (PMID: 16116423, 17033622, 21964575). This variant has not been reported in the literature in individuals with BRIP1-related conditions. This variant is not present in population databases (ExAC no frequency). This sequence change creates a premature translational stop signal (p.Tyr247*) in the BRIP1 gene. It is expected to result in an absent or disrupted protein product.

Literature cited by the submitters: PubMed 16116423 (cited by Labcorp Genetics (formerly Invitae), Labcorp); PubMed 17033622 (cited by Labcorp Genetics (formerly Invitae), Labcorp); PubMed 21964575 (cited by Labcorp Genetics (formerly Invitae), Labcorp).